The following continues an entry in ClinVar:

NM_000492.4(CFTR):c.223C>T (p.Arg75Ter)

Gene: CFTR. ClinVar aggregate classification (germline): Pathogenic. Pathogenic (1).

Submissions 15 to 21 of 21:

Quest Diagnostics Nichols Institute San Juan Capistrano
Classification: Pathogenic. Last evaluated: 2019-10-16. Review status: criteria provided, single submitter. Criteria: Quest Diagnostics criteria. Collection method: clinical testing. Allele origin: unknown. Not counted in ClinVar's aggregate classification.
Comment: The variant creates a premature nonsense codon, and is therefore predicted to result in the loss of a functional protein. Found in at least one patient with expected phenotype for this gene, and not found in general population data.

CFTR-France
Classification: Pathogenic for cystic fibrosis. Last evaluated: 2018-01-29. Review status: criteria provided, single submitter. Criteria: Claustres M et al. (Hum Mutat 2017). Collection method: curation. Allele origin: germline. Affected: yes. Not counted in ClinVar's aggregate classification.

Arcensus
Classification: Likely pathogenic for Cystic fibrosis. Last evaluated: 2013-02-01. Review status: criteria provided, single submitter. Criteria: ACMG Guidelines, 2015. Collection method: clinical testing. Allele origin: germline. Affected: yes. Not counted in ClinVar's aggregate classification.

Baylor Genetics
Classification: Pathogenic for Congenital bilateral aplasia of vas deferens from CFTR mutation; Cystic fibrosis. Review status: criteria provided, single submitter. Criteria: ACMG Guidelines, 2015. Collection method: clinical testing. Allele origin: germline. Not counted in ClinVar's aggregate classification.

Neuberg Centre For Genomic Medicine, NCGM
Classification: Pathogenic for Cystic fibrosis. Review status: criteria provided, single submitter. Criteria: ACMG Guidelines, 2015. Collection method: clinical testing. Allele origin: germline. Inheritance: Autosomal recessive inheritance. Affected: yes. Not counted in ClinVar's aggregate classification.
Comment: The stop-gained variant c.223C>T p.Arg75Ter in the CFTR gene has been reported in the hemizygous and heterozygous state in multiple individuals affected with Cystic Fibrosis Guo et al., 2021; Singh et al., 2015. This variant is reported with the allele frequency 0.0007% in the gnomAD Exomes and novel not in any individuals in 1000 Genomes. It has been submitted to ClinVar as Likely Pathogenic/ Pathogenic Multiple Submissions. This variant is predicted to cause a loss of normal protein function through protein truncation. Loss of function variants has been previously reported to be disease-causing. For these reasons, this variant has been classified as Pathogenic.

PreventionGenetics, part of Exact Sciences
Classification: Pathogenic for CFTR-related condition. Last evaluated: 2024-04-10. Review status: no assertion criteria provided. Collection method: clinical testing. Allele origin: germline. Not counted in ClinVar's aggregate classification.
Comment: The CFTR c.223C>T variant is predicted to result in premature protein termination (p.Arg75*). This variant has been reported in multiple individuals with cystic fibrosis with and without pancreatic insufficiency (see for example, Doerk et al. 1994. PubMed ID: 7525450; Wong et al. 2001. PubMed ID: 11668613; Ooi et al. 2012. PubMed ID: 22658665; Sosnay et al. 2013. PubMed ID: 23974870). This variant is reported in 0.0087% of alleles in individuals of Latino descent in gnomAD. Nonsense variants in CFTR are expected to be pathogenic. This variant is interpreted as pathogenic.

Genome Diagnostics Laboratory, The Hospital for Sick Children
Classification: Pathogenic for CFTR-related disorders. Last evaluated: 2022-02-25. Review status: no assertion criteria provided. Collection method: clinical testing. Allele origin: germline. Not counted in ClinVar's aggregate classification.

Literature cited by the submitters: PubMed 1695717 (cited by Labcorp Genetics (formerly Invitae), Labcorp); PubMed 7691345 (cited by Labcorp Genetics (formerly Invitae), Labcorp); PubMed 9725922 (cited by Labcorp Genetics (formerly Invitae), Labcorp); PubMed 7525450 (cited by 3 submitters); PubMed 10923036 (cited by Labcorp Genetics (formerly Invitae), Labcorp); PubMed 18456578 (cited by Labcorp Genetics (formerly Invitae), Labcorp); PubMed 22658665 (cited by 3 submitters); PubMed 22975760 (cited by Labcorp Genetics (formerly Invitae), Labcorp and Quest Diagnostics Nichols Institute San Juan Capistrano); PubMed 23276700 (cited by Labcorp Genetics (formerly Invitae), Labcorp); PubMed 23523379 (cited by Labcorp Genetics (formerly Invitae), Labcorp); PubMed 23974870 (cited by 3 submitters); PubMed 26014425 (cited by Labcorp Genetics (formerly Invitae), Labcorp); PubMed 26574590 (cited by Labcorp Genetics (formerly Invitae), Labcorp); PubMed 25688174 (cited by Natera, Inc.); PubMed 11668613 (cited by Natera, Inc. and Quest Diagnostics Nichols Institute San Juan Capistrano); PubMed 7541274 (cited by Myriad Genetics, Inc.); PubMed 23420618 (cited by Myriad Genetics, Inc. and Quest Diagnostics Nichols Institute San Juan Capistrano); PubMed 9806422 (cited by Myriad Genetics, Inc. and Quest Diagnostics Nichols Institute San Juan Capistrano); PubMed 15858154 (cited by Quest Diagnostics Nichols Institute San Juan Capistrano).